The following is an entry in ClinVar:

ClinVar aggregate classification (germline): Likely pathogenic (1 of 4 stars; one submission).

Submission:

Labcorp Genetics (formerly Invitae), Labcorp
Classification: Likely pathogenic. Last evaluated: 2023-05-13. Review status: criteria provided, single submitter. Criteria: Invitae Variant Classification Sherloc (09022015). Collection method: clinical testing. Allele origin: germline.
Comment: In summary, the currently available evidence indicates that the variant is pathogenic, but additional data are needed to prove that conclusively. Therefore, this variant has been classified as Likely Pathogenic. Algorithms developed to predict the effect of sequence changes on RNA splicing suggest that this variant may disrupt the consensus splice site. This variant has not been reported in the literature in individuals affected with EMC1-related conditions. This variant is not present in population databases (gnomAD no frequency). This sequence change affects a splice site in intron 11 of the EMC1 gene. It is expected to disrupt RNA splicing. Variants that disrupt the donor or acceptor splice site typically lead to a loss of protein function (PMID: 16199547), and loss-of-function variants in EMC1 are known to be pathogenic (PMID: 26572623, 26942288, 29271071).

Literature cited by the submitters: PubMed 16199547; PubMed 26572623; PubMed 26942288; PubMed 29271071.

NM_015047.3(EMC1):c.1213-1del

Genes: EMC1 (ER membrane protein complex subunit 1; minus strand), EMC1-AS1 (EMC1 antisense RNA 1; plus strand). Cytogenetic location: 1p36.13.
Variant type: Deletion.
Coding change: c.1213-1del on transcript NM_015047.3 (MANE Select); the canonical splice acceptor site of the intron before coding-DNA position 1213, one base deleted (G; older notation c.1213-1delG).
Molecular consequence: splice acceptor variant.
Genome position (GRCh38, 1-based): chr1:19,237,239, C deleted on the plus strand (G on the coding strand, the reverse complement: EMC1 is on the minus strand). VCF-style (leftmost placement, unchanged base first): chr1-19237238-GC-G. GRCh37 (hg19) VCF-style: chr1-19563732-GC-G.
Other names: c.1147-1del (NM_001271429.2); c.1210-1del (NM_001271427.2, NM_001375821.1); c.1213-1del (NM_001271428.2, NM_001375820.1).
Identifiers: ClinVar variation 2863824 (VCV002863824.3), dbSNP rs2536760867, ClinGen allele CA2739272326.
Genomic context (GRCh38, chr1:19,237,238, plus strand): 5'-TCTGCACCAAAGCCCGGTAGCCCACTGAGTCATCCTTCTTCAAGAACACCTGGATATACA[GC>G]TATAAGCCACAGTCAAGACCGGTGTAGTCAGTGAGGATCCAAATGCCTCTGAGAGCACCA-3'